The following is an entry in ClinVar:

NM_014844.5(TECPR2):c.3525C>T (p.Ala1175=)

Gene: TECPR2 (tectonin beta-propeller repeat containing 2; plus strand). Cytogenetic location: 14q32.31.
Variant type: single nucleotide variant.
Coding change: c.3525C>T on transcript NM_014844.5 (MANE Select); coding-DNA position 3525, C replaced by T.
Protein change: p.Ala1175=; no amino-acid change (alanine 1175 retained).
Molecular consequence: synonymous variant.
Genome position (GRCh38, 1-based): chr14:102,452,512, C>T. VCF-style: chr14-102452512-C-T. GRCh37 (hg19) VCF-style: chr14-102918849-C-T.
Other names: c.3525C>T, p.Ala1175= (NM_001172631.3).
Identifiers: ClinVar variation 415297 (VCV000415297.35), dbSNP rs559134152, ClinGen allele CA7358271.

ClinVar aggregate classification (germline): Likely benign. Review status: criteria provided, multiple submitters, no conflicts (2 of 4 stars). 3 submissions from 3 submitters: Likely benign (3). Last evaluated 2024-07-15.

Conditions:
Hereditary spastic paraplegia 49 (HSAN9). Also called: TECPR2-Related Hereditary Sensory and Autonomic Neuropathy with Intellectual Disability; NEUROPATHY, HEREDITARY SENSORY AND AUTONOMIC, TYPE IX, WITH DEVELOPMENTAL DELAY; Spastic paraplegia 49, autosomal recessive. Identifiers: Orphanet 320385, MedGen C5190860, MONDO:0014016, OMIM 615031.

Allele frequency attached by ClinVar (database versions not stated): TOPMed 0.00001; gnomAD exomes 0.00002 and 0.00004; gnomAD 0.00003; ExAC 0.00004; 1000 Genomes Project 30x 0.00016; 1000 Genomes Project 0.00020.
gnomAD v4.1: 41 of 1,612,760 alleles (0.0025%); highest among the groups gnomAD compares: South Asian, 0.029%; 1 homozygote.

Submissions (3):

Blueprint Genetics
Classification: Likely benign. Last evaluated: 2024-07-15. Review status: criteria provided, single submitter. Criteria: ACMG Guidelines, 2015. Collection method: clinical testing. Allele origin: germline.

Labcorp Genetics (formerly Invitae), Labcorp
Classification: Likely benign for Hereditary spastic paraplegia 49. Last evaluated: 2024-03-02. Review status: criteria provided, single submitter. Criteria: Invitae Variant Classification Sherloc (09022015). Collection method: clinical testing. Allele origin: germline.

CeGaT Center for Human Genetics Tuebingen
Classification: Likely benign. Last evaluated: 2023-01-01. Review status: criteria provided, single submitter. Criteria: CeGaT Center For Human Genetics Tuebingen Variant Classification Criteria Version 2. Collection method: clinical testing. Allele origin: germline. Affected: yes. Observed: 1 variant allele.
Comment: TECPR2: BP4, BP7